The following is an entry in ClinVar:

NM_001042492.3(NF1):c.7067C>T (p.Pro2356Leu)

Gene: NF1 (neurofibromin 1; plus strand). Cytogenetic location: 17q11.2.
Variant type: single nucleotide variant.
Coding change: c.7067C>T on transcript NM_001042492.3 (MANE Select); coding-DNA position 7067, C replaced by T.
Protein change: p.Pro2356Leu; replaces proline 2356 with leucine.
Molecular consequence: missense variant.
Genome position (GRCh38, 1-based): chr17:31,343,013, C>T. VCF-style: chr17-31343013-C-T. GRCh37 (hg19) VCF-style: chr17-29670031-C-T.
Other names: c.7004C>T, p.Pro2335Leu (NM_000267.4); short protein forms P2335L, P2356L.
Identifiers: ClinVar variation 480093 (VCV000480093.3), dbSNP rs1555535402, ClinGen allele CA399015512.

ClinVar aggregate classification (germline): Uncertain significance (1 of 4 stars; one submission).

Conditions:
Hereditary cancer-predisposing syndrome. Also called: Hereditary Cancer Syndrome; Neoplastic Syndromes, Hereditary; Tumor predisposition; Hereditary neoplastic syndrome. Identifiers: Orphanet 140162, MedGen C0027672, MeSH D009386, MONDO:0015356.

Submission:

Ambry Genetics
Classification: Uncertain significance for Hereditary cancer-predisposing syndrome. Last evaluated: 2016-02-15. Review status: criteria provided, single submitter. Criteria: Ambry Autosomal Dominant and X-Linked criteria (10/2015). Collection method: clinical testing. Allele origin: germline. Observed: 1 variant allele.
Comment: The p.P2356L variant (also known as c.7067C>T), located in coding exon 48 of the NF1 gene, results from a C to T substitution at nucleotide position 7067. The proline at codon 2356 is replaced by leucine, an amino acid with similar properties. This variant was not reported in population based cohorts in the following databases: Database of Single Nucleotide Polymorphisms (dbSNP), NHLBI Exome Sequencing Project (ESP), and 1000 Genomes Project. In the ESP, this variant was not observed in 6503 samples (13006 alleles) with coverage at this position. To date, this alteration has been detected with an allele frequency of approximately 0.001% (greater than 110000alleles tested) in our clinical cohort.This amino acid position is highly conserved in available vertebrate species. In addition, the in silico prediction for this alteration is inconclusive.Since supporting evidence is limited at this time, the clinical significance of this alterationremains unclear.